The following is an entry in ClinVar:

ClinVar aggregate classification (germline): Uncertain significance (1 of 4 stars; one submission).

Allele frequency attached by ClinVar (database versions not stated): gnomAD 0.00001; gnomAD exomes 0.00002; TOPMed 0.00002.
gnomAD v4.1: 32 of 1,566,928 alleles (0.002%); highest among the groups gnomAD compares: Non-Finnish European, 0.0025%; no homozygotes.

Submission:

GeneDx
Classification: Uncertain significance. Last evaluated: 2023-01-06. Review status: criteria provided, single submitter. Criteria: GeneDx Variant Classification Process June 2021. Collection method: clinical testing. Allele origin: germline. Affected: yes.
Comment: Not observed at significant frequency in large population cohorts (gnomAD); In silico analysis supports that this missense variant has a deleterious effect on protein structure/function; Has not been previously published as pathogenic or benign to our knowledge

NM_001005388.3(NFASC):c.2264C>T (p.Ser755Leu)

Gene: NFASC (neurofascin; plus strand). Cytogenetic location: 1q32.1.
Variant type: single nucleotide variant.
Coding change: c.2264C>T on transcript NM_001005388.3 (MANE Select); coding-DNA position 2264, C replaced by T.
Protein change: p.Ser755Leu; replaces serine 755 with leucine.
Molecular consequence: missense variant.
Genome position (GRCh38, 1-based): chr1:204,981,814, C>T. VCF-style: chr1-204981814-C-T. GRCh37 (hg19) VCF-style: chr1-204950942-C-T.
Other names: c.2297C>T, p.Ser766Leu (NM_001160331.2); c.2252C>T, p.Ser751Leu (NM_001160332.2, NM_001365986.1, NM_015090.4); c.2264C>T, p.Ser755Leu (NM_001378329.1); short protein forms S751L, S755L, S766L.
Identifiers: ClinVar variation 2571897 (VCV002571897.1), dbSNP rs990035232, ClinGen allele CA36405614.
Genomic context (GRCh38, chr1:204,981,814, plus strand): 5'-CCCCTCTCTGGCAGCCTCTCCAGCCTGTCTGTCCCTCTGCCCAGCCCATGAATGCCACCT[C>T]GGCCTTTGGCCCCAACCTGCGCTACATTGTCAAGTGGAGGCGGAGAGAGACTCGAGAGGC-3'
Protein context (NP_001005388.2, residues 745-765): EITWTPMNAT[Ser755Leu]AFGPNLRYIV